The following is an entry in ClinVar:

ClinVar aggregate classification (germline): Pathogenic. Review status: criteria provided, multiple submitters, no conflicts (2 of 4 stars). 4 submissions from 4 submitters: Pathogenic (2). 2 of the submissions do not count toward it. Last evaluated 2025-12-15.

Conditions:
Vitelliform macular dystrophy 2. Also called: Best Macular Dystrophy; Best vitelliform macular dystrophy, multifocal; Best Vitelliform Macular Dystrophy (BVMD); MACULAR DEGENERATION, POLYMORPHIC VITELLINE; VITELLIFORM MACULAR DYSTROPHY, EARLY-ONSET; VITELLIFORM MACULAR DYSTROPHY, JUVENILE-ONSET. Identifiers: Orphanet 1243, MedGen C2745945, MONDO:0007931, OMIM 153700.
BEST1-related disorder. Also called: BEST1-related disorders; BEST1-related condition. Identifiers: MedGen CN239200.

Allele frequency attached by ClinVar (database versions not stated): gnomAD exomes below 0.00001.

Submissions (4):

Labcorp Genetics (formerly Invitae), Labcorp
Classification: Pathogenic. Last evaluated: 2025-12-15. Review status: criteria provided, single submitter. Criteria: Invitae Variant Classification Sherloc (09022015). Collection method: clinical testing. Allele origin: germline.
Comment: This sequence change replaces alanine, which is neutral and non-polar, with valine, which is neutral and non-polar, at codon 10 of the BEST1 protein (p.Ala10Val). This variant is not present in population databases (gnomAD no frequency). This missense change has been observed in individuals with autosomal dominant Best vitelliform macular dystrophy (PMID: 10394929, 20381869, 31456290). This variant has been reported in individual(s) with autosomal recessive bestrophinopathy (PMID: 33039401); however, the role of the variant in this condition is currently unclear. ClinVar contains an entry for this variant (Variation ID: 99709). Invitae Evidence Modeling of protein sequence and biophysical properties (such as structural, functional, and spatial information, amino acid conservation, physicochemical variation, residue mobility, and thermodynamic stability) indicates that this missense variant is expected to disrupt BEST1 protein function with a positive predictive value of 95%. This variant disrupts the p.Ala10 amino acid residue in BEST1. Other variant(s) that disrupt this residue have been determined to be pathogenic (PMID: 9700209, 10854112, 25082885, 25174897). This suggests that this residue is clinically significant, and that variants that disrupt this residue are likely to be disease-causing. For these reasons, this variant has been classified as Pathogenic.

Blueprint Genetics
Classification: Pathogenic for BEST1-related disorders. Last evaluated: 2021-09-13. Review status: criteria provided, single submitter. Criteria: ACMG Guidelines, 2015. Collection method: clinical testing. Allele origin: germline. Affected: yes. Observed: 3 variant alleles.

Sharon lab, Hadassah-Hebrew University Medical Center
Classification: Pathogenic for Best disease. Last evaluated: 2019-06-23. Review status: no assertion criteria provided. Collection method: research. Allele origin: inherited. Affected: yes. Not counted in ClinVar's aggregate classification.

Retina International
No classification provided. Review status: no classification provided. Collection method: not provided. Allele origin: not provided. Not counted in ClinVar's aggregate classification.

Literature cited by the submitters: PubMed 10394929 (cited by Labcorp Genetics (formerly Invitae), Labcorp); PubMed 20381869 (cited by Labcorp Genetics (formerly Invitae), Labcorp); PubMed 31456290 (cited by Labcorp Genetics (formerly Invitae), Labcorp); PubMed 33039401 (cited by Labcorp Genetics (formerly Invitae), Labcorp); PubMed 9700209 (cited by Labcorp Genetics (formerly Invitae), Labcorp); PubMed 10854112 (cited by Labcorp Genetics (formerly Invitae), Labcorp); PubMed 25082885 (cited by Labcorp Genetics (formerly Invitae), Labcorp); PubMed 25174897 (cited by Labcorp Genetics (formerly Invitae), Labcorp).

NM_004183.4(BEST1):c.29C>T (p.Ala10Val)

Gene: BEST1 (bestrophin 1; plus strand). Cytogenetic location: 11q12.3.
Variant type: single nucleotide variant.
Coding change: c.29C>T on transcript NM_004183.4 (MANE Select); coding-DNA position 29, C replaced by T.
Protein change: p.Ala10Val; replaces alanine 10 with valine.
Molecular consequence: missense variant. On other transcripts: non-coding transcript variant (1), intron variant (6).
Genome position (GRCh38, 1-based): chr11:61,951,835, C>T. VCF-style: chr11-61951835-C-T. GRCh37 (hg19) VCF-style: chr11-61719307-C-T.
Other names: c.29C>T, p.Ala10Val (NM_001363592.2, NM_001440571.1, NM_001440572.1 and 1 more transcripts); c.-29+1408C>T (NM_001139443.3, NM_001300787.2, NM_001440574.1 and 3 more transcripts); short protein forms A10V.
Identifiers: ClinVar variation 99709 (VCV000099709.7), dbSNP rs281865207, ClinGen allele CA227762.